The following is an entry in ClinVar:

ClinVar aggregate classification (germline): Benign/Likely benign. Review status: criteria provided, multiple submitters, no conflicts (2 of 4 stars). 4 submissions from 4 submitters: Benign (1); Likely benign (3). Last evaluated 2025-09-03.

Conditions:
Pheochromocytoma/paraganglioma syndrome 5. Also called: Paragangliomas 5; SDHA-Related Hereditary Paraganglioma-Pheochromocytoma Syndrome. Identifiers: Orphanet 29072, MedGen C3279992, MONDO:0013602, OMIM 614165.
Mitochondrial complex II deficiency, nuclear type 1. Also called: SUCCINATE CoQ REDUCTASE DEFICIENCY. Identifiers: Orphanet 3208, MedGen C5700310, MONDO:0100294, OMIM 252011.
Hereditary cancer-predisposing syndrome. Also called: Neoplastic Syndromes, Hereditary; Hereditary Cancer Syndrome; Hereditary neoplastic syndrome; Tumor predisposition. Identifiers: Orphanet 140162, MedGen C0027672, MeSH D009386, MONDO:0015356.

gnomAD v4.1: 8 of 1,457,106 alleles (0.00055%); highest among the groups gnomAD compares: Non-Finnish European, 0.00072%; no homozygotes.

Submissions (4):

Labcorp Genetics (formerly Invitae), Labcorp
Classification: Likely benign for Pheochromocytoma/paraganglioma syndrome 5; Mitochondrial complex II deficiency, nuclear type 1. Last evaluated: 2025-09-03. Review status: criteria provided, single submitter. Criteria: Invitae Variant Classification Sherloc (09022015). Collection method: clinical testing. Allele origin: germline.

Quest Diagnostics Nichols Institute San Juan Capistrano
Classification: Likely benign. Last evaluated: 2025-06-05. Review status: criteria provided, single submitter. Criteria: Quest Diagnostics criteria. Collection method: clinical testing. Allele origin: unknown.

Myriad Genetics, Inc.
Classification: Benign for Pheochromocytoma/paraganglioma syndrome 5. Last evaluated: 2025-02-27. Review status: criteria provided, single submitter. Criteria: Myriad Autosomal Dominant, Autosomal Recessive and X-Linked Classification Criteria (2023). Collection method: clinical testing. Allele origin: unknown.
Comment: This variant is considered benign. This variant is a silent/synonymous amino acid change and it is not expected to impact splicing.

Ambry Genetics
Classification: Likely benign for Hereditary cancer-predisposing syndrome. Last evaluated: 2021-10-22. Review status: criteria provided, single submitter. Criteria: Ambry Variant Classification Scheme 2023. Collection method: clinical testing. Allele origin: germline.

NM_004168.4(SDHA):c.18C>A (p.Gly6=)

Gene: SDHA (succinate dehydrogenase complex flavoprotein subunit A; plus strand). Cytogenetic location: 5p15.33.
Variant type: single nucleotide variant.
Coding change: c.18C>A on transcript NM_004168.4 (MANE Select); coding-DNA position 18, C replaced by A.
Protein change: p.Gly6=; no amino-acid change (glycine 6 retained).
Molecular consequence: synonymous variant.
Genome position (GRCh38, 1-based): chr5:218,373, C>A. VCF-style: chr5-218373-C-A. GRCh37 (hg19) VCF-style: chr5-218488-C-A.
Other names: c.18C>A, p.Gly6= (NM_001294332.2, NM_001330758.2).
Identifiers: ClinVar variation 472369 (VCV000472369.16), dbSNP rs775847689, ClinGen allele CA442689535.